The following is an entry in ClinVar:

ClinVar aggregate classification (germline): Uncertain significance (1 of 4 stars; one submission).

Submission:

GeneDx
Classification: Uncertain significance. Last evaluated: 2022-03-09. Review status: criteria provided, single submitter. Criteria: GeneDx Variant Classification Process June 2021. Collection method: clinical testing. Allele origin: germline. Affected: yes.
Comment: Has not been previously published as pathogenic or benign to our knowledge; Not observed at significant frequency in large population cohorts (gnomAD); Missense variants in this gene are often considered pathogenic (HGMD); In silico analysis supports that this missense variant does not alter protein structure/function

NM_001184880.2(PCDH19):c.2684C>T (p.Thr895Ile)

Gene: PCDH19 (protocadherin 19; minus strand). Cytogenetic location: Xq22.1.
Variant type: single nucleotide variant.
Coding change: c.2684C>T on transcript NM_001184880.2 (MANE Select); coding-DNA position 2684, C replaced by T.
Protein change: p.Thr895Ile; replaces threonine 895 with isoleucine.
Molecular consequence: missense variant.
Genome position (GRCh38, 1-based): chrX:100,342,067, G>A on the plus strand (C>T on the coding strand, the complement: PCDH19 is on the minus strand). VCF-style: chrX-100342067-G-A. GRCh37 (hg19) VCF-style: chrX-99597065-G-A.
Other names: c.2543C>T, p.Thr848Ile (NM_001105243.2); c.2540C>T, p.Thr847Ile (NM_020766.3); short protein forms T847I, T848I, T895I.
Identifiers: ClinVar variation 1344989 (VCV001344989.2), dbSNP rs2147485135, ClinGen allele CA414000323.